The following is an entry in ClinVar:

NM_001190787.3(MCIDAS):c.59A>G (p.Asn20Ser)

Genes: MCIDAS (multiciliate differentiation and DNA synthesis associated cell cycle protein; minus strand), LOC129993892 (ATAC-STARR-seq lymphoblastoid silent region 16010; plus strand). Cytogenetic location: 5q11.2.
Variant type: single nucleotide variant.
Coding change: c.59A>G on transcript NM_001190787.3 (MANE Select); coding-DNA position 59, A replaced by G.
Protein change: p.Asn20Ser; replaces asparagine 20 with serine.
Molecular consequence: missense variant.
Genome position (GRCh38, 1-based): chr5:55,227,080, T>C on the plus strand (A>G on the coding strand, the complement: MCIDAS is on the minus strand). VCF-style: chr5-55227080-T-C. GRCh37 (hg19) VCF-style: chr5-54522908-T-C.
Other names: short protein forms N20S.
Identifiers: ClinVar variation 1046102 (VCV001046102.9), dbSNP rs1745472814, ClinGen allele CA359734661.
Genomic context (GRCh38, chr5:55,227,080, plus strand): 5'-TTCCTCTCCGGCTTCCCCGGCTTGCAGAGCAGCGCCCGGCCCGGCAGTGCCAGCATTCTG[T>C]TGGGGCAGATGCTGTCGAAGGCCCGACGGCCGGCCGCGCCGCCCCCGCACGCCTGCATTG-3'
Protein context (NP_001177716.1, residues 10-30): GRRAFDSICP[Asn20Ser]RMLALPGRAL

ClinVar aggregate classification (germline): Uncertain significance (1 of 4 stars; one submission).

Conditions:
Primary ciliary dyskinesia. Also called: Ciliary dyskinesia. Identifiers: Orphanet 244, MedGen C0008780, MONDO:0016575, HP:0012265.

Submission:

Labcorp Genetics (formerly Invitae), Labcorp
Classification: Uncertain significance for Primary ciliary dyskinesia. Last evaluated: 2020-10-30. Review status: criteria provided, single submitter. Criteria: Invitae Variant Classification Sherloc (09022015). Collection method: clinical testing. Allele origin: germline.
Comment: This sequence change replaces asparagine with serine at codon 20 of the MCIDAS protein (p.Asn20Ser). The asparagine residue is highly conserved and there is a small physicochemical difference between asparagine and serine. The frequency data for this variant in the population databases is considered unreliable, as metrics indicate insufficient coverage at this position in the ExAC database. This variant has not been reported in the literature in individuals with MCIDAS-related conditions. Algorithms developed to predict the effect of missense changes on protein structure and function (SIFT, PolyPhen-2, Align-GVGD) all suggest that this variant is likely to be disruptive, but these predictions have not been confirmed by published functional studies and their clinical significance is uncertain. In summary, the available evidence is currently insufficient to determine the role of this variant in disease. Therefore, it has been classified as a Variant of Uncertain Significance.